The following is an entry in ClinVar:

ClinVar aggregate classification (germline): Likely benign (1 of 4 stars; one submission).

Submission:

CeGaT Center for Human Genetics Tuebingen
Classification: Likely benign. Last evaluated: 2023-04-01. Review status: criteria provided, single submitter. Criteria: CeGaT Center For Human Genetics Tuebingen Variant Classification Criteria Version 2. Collection method: clinical testing. Allele origin: germline. Affected: yes. Observed: 1 variant allele.
Comment: CACNA2D1: PM2:Supporting, BP4, BP7

NM_000722.4(CACNA2D1):c.3030G>A (p.Gly1010=)

Gene: CACNA2D1 (calcium voltage-gated channel auxiliary subunit alpha2delta 1; minus strand). Cytogenetic location: 7q21.11.
Variant type: single nucleotide variant.
Coding change: c.3030G>A on transcript NM_000722.4 (MANE Select); coding-DNA position 3030, G replaced by A.
Protein change: p.Gly1010=; no amino-acid change (glycine 1010 retained).
Molecular consequence: synonymous variant.
Genome position (GRCh38, 1-based): chr7:81,959,766, C>T on the plus strand (G>A on the coding strand, the complement: CACNA2D1 is on the minus strand). VCF-style: chr7-81959766-C-T. GRCh37 (hg19) VCF-style: chr7-81589082-C-T.
Other names: c.3066G>A, p.Gly1022= (NM_001366867.1).
Identifiers: ClinVar variation 2657640 (VCV002657640.24), dbSNP rs2484359440, ClinGen allele CA456130876.
Genomic context (GRCh38, chr7:81,959,766, plus strand): 5'-ATGTCAAAGGATACAAGTCTGCTCCGCTTGTATGAGCAGTCGTGTGTCACATGGACATGT[C>T]CCTTTGCTCTCAACCATTATGAATATTAAGTTGGTGTTCATAAGCTTTTCTCCATGAAAG-3'
Protein context (NP_000713.2, residues 1000-1020): NLIFIMVESK[Gly1010=]TCPCDTRLLI